The following is an entry in ClinVar:

NM_001349253.2(SCN11A):c.2483G>C (p.Arg828Thr)

Gene: SCN11A (sodium voltage-gated channel alpha subunit 11; minus strand). Cytogenetic location: 3p22.2.
Variant type: single nucleotide variant.
Coding change: c.2483G>C on transcript NM_001349253.2 (MANE Select); coding-DNA position 2483, G replaced by C.
Protein change: p.Arg828Thr; replaces arginine 828 with threonine.
Molecular consequence: missense variant.
Genome position (GRCh38, 1-based): chr3:38,894,885, C>G on the plus strand (G>C on the coding strand, the complement: SCN11A is on the minus strand). VCF-style: chr3-38894885-C-G. GRCh37 (hg19) VCF-style: chr3-38936376-C-G.
Other names: c.2483G>C, p.Arg828Thr (NM_014139.3); short protein forms R828T.
Identifiers: ClinVar variation 4791836 (VCV004791836.1).

ClinVar aggregate classification (germline): Uncertain significance (1 of 4 stars; one submission).

Conditions:
Familial episodic pain syndrome with predominantly lower limb involvement. Also called: Episodic pain syndrome, familial, 3. Identifiers: Orphanet 391384, Orphanet 391392, MedGen C3809899, MONDO:0014247, OMIM 615552.
Hereditary sensory and autonomic neuropathy type 7. Also called: HSAN VII; Neuropathy, hereditary sensory and autonomic, type VII. Identifiers: Orphanet 391397, MedGen C3809882, MONDO:0014244, OMIM 615548.

Submission:

Labcorp Genetics (formerly Invitae), Labcorp
Classification: Uncertain significance for Familial episodic pain syndrome with predominantly lower limb involvement; Hereditary sensory and autonomic neuropathy type 7. Last evaluated: 2025-02-27. Review status: criteria provided, single submitter. Criteria: Invitae Variant Classification Sherloc (09022015). Collection method: clinical testing. Allele origin: germline.
Comment: This sequence change replaces arginine, which is basic and polar, with threonine, which is neutral and polar, at codon 828 of the SCN11A protein (p.Arg828Thr). This variant is present in population databases (no rsID available, gnomAD 0.0009%). This variant has not been reported in the literature in individuals affected with SCN11A-related conditions. An algorithm developed to predict the effect of missense changes on protein structure and function (PolyPhen-2) suggests that this variant is likely to be tolerated. In summary, the available evidence is currently insufficient to determine the role of this variant in disease. Therefore, it has been classified as a Variant of Uncertain Significance.